The following is an entry in ClinVar:

ClinVar aggregate classification (germline): Uncertain significance (1 of 4 stars; one submission).

Allele frequency attached by ClinVar (database versions not stated): gnomAD 0.00001.
gnomAD v4.1: 1 of 1,579,582 alleles (0.000063%); highest among the groups gnomAD compares: African/African-American, 0.0013%; no homozygotes.

Submission:

Labcorp Genetics (formerly Invitae), Labcorp
Classification: Uncertain significance. Last evaluated: 2022-04-28. Review status: criteria provided, single submitter. Criteria: Invitae Variant Classification Sherloc (09022015). Collection method: clinical testing. Allele origin: germline.
Comment: This variant has not been reported in the literature in individuals affected with MAGEL2-related conditions. This variant is not present in population databases (gnomAD no frequency). This sequence change replaces glutamine, which is neutral and polar, with glutamic acid, which is acidic and polar, at codon 633 of the MAGEL2 protein (p.Gln633Glu). In summary, the available evidence is currently insufficient to determine the role of this variant in disease. Therefore, it has been classified as a Variant of Uncertain Significance. Experimental studies and prediction algorithms are not available or were not evaluated, and the functional significance of this variant is currently unknown.

NM_019066.5(MAGEL2):c.1897C>G (p.Gln633Glu)

Gene: MAGEL2 (MAGE family member L2; minus strand). Cytogenetic location: 15q11.2.
Variant type: single nucleotide variant.
Coding change: c.1897C>G on transcript NM_019066.5 (MANE Select); coding-DNA position 1897, C replaced by G.
Protein change: p.Gln633Glu; replaces glutamine 633 with glutamic acid.
Molecular consequence: missense variant.
Genome position (GRCh38, 1-based): chr15:23,645,846, G>C on the plus strand (C>G on the coding strand, the complement: MAGEL2 is on the minus strand). VCF-style: chr15-23645846-G-C. GRCh37 (hg19) VCF-style: chr15-23890993-G-C.
Other names: short protein forms Q633E.
Identifiers: ClinVar variation 1946097 (VCV001946097.5), dbSNP rs1890388522, ClinGen allele CA391333092.
Genomic context (GRCh38, chr15:23,645,846, plus strand): 5'-GGGCTCCCTGAAAGGGCTGCTCCAGCTGGACCAAGGGGGGAGCCTGCCTCTGGGCCTCCT[G>C]GGCAGGCAGGGGCTGCCAGATGTGAGTGGGGGCCTTCTGGGCCTGCCAGGCCAGCGCCTG-3'
Protein context (NP_061939.3, residues 623-643): PTHIWQPLPA[Gln633Glu]EAQRQAPPLV